The following is an entry in ClinVar:

ClinVar aggregate classification (germline): Uncertain significance. Review status: criteria provided, multiple submitters, no conflicts (2 of 4 stars). 2 submissions from 2 submitters: Uncertain significance (2). Last evaluated 2025-10-08.

Conditions:
Inborn genetic diseases. Identifiers: MedGen C0950123, MeSH D030342.

gnomAD v4.1: 2 of 1,613,936 alleles (0.00012%); highest among the groups gnomAD compares: Non-Finnish European, 0.00017%; no homozygotes.

Submissions (2):

Women's Health and Genetics/Laboratory Corporation of America, LabCorp
Classification: Uncertain significance. Last evaluated: 2025-10-08. Review status: criteria provided, single submitter. Criteria: LabCorp Variant Classification Summary - May 2015. Collection method: clinical testing. Allele origin: germline.
Comment: Variant summary: PPM1D c.1744C>T (p.Arg582Cys) results in a non-conservative amino acid change in the encoded protein sequence. Algorithms developed to predict the effect of missense changes on protein structure and function are either unavailable or do not agree on the potential impact of this missense change. The variant was absent in 250578 control chromosomes. The available data on variant occurrences in the general population are insufficient to allow any conclusion about variant significance. To our knowledge, no occurrence of c.1744C>T in individuals affected with PPM1D-related conditions and no experimental evidence demonstrating its impact on protein function have been reported. ClinVar contains an entry for this variant (Variation ID: 3936784). Based on the evidence outlined above, the variant was classified as uncertain significance.

Ambry Genetics
Classification: Uncertain significance for Inborn genetic diseases. Last evaluated: 2025-04-12. Review status: criteria provided, single submitter. Criteria: Ambry Variant Classification Scheme 2023. Collection method: clinical testing. Allele origin: germline.

NM_003620.4(PPM1D):c.1744C>T (p.Arg582Cys)

Gene: PPM1D (protein phosphatase, Mg2+/Mn2+ dependent 1D; plus strand). Cytogenetic location: 17q23.2.
Variant type: single nucleotide variant.
Coding change: c.1744C>T on transcript NM_003620.4 (MANE Select); coding-DNA position 1744, C replaced by T.
Protein change: p.Arg582Cys; replaces arginine 582 with cysteine.
Molecular consequence: missense variant.
Genome position (GRCh38, 1-based): chr17:60,663,478, C>T. VCF-style: chr17-60663478-C-T. GRCh37 (hg19) VCF-style: chr17-58740839-C-T.
Other names: short protein forms R582C.
Identifiers: ClinVar variation 3936784 (VCV003936784.2).
Genomic context (GRCh38, chr17:60,663,478, plus strand): 5'-CAGCCTGCAAGTCTCCCCACAACCTCACAGCGAAAGAACTCTGTTAAACTCACCATGCGA[C>T]GCAGACTTAGGGGCCAGAAGAAAATTGGAAATCCTTTACTTCATCAACACAGGAAAACTG-3'
Protein context (NP_003611.1, residues 572-592): RKNSVKLTMR[Arg582Cys]RLRGQKKIGN